The following is an entry in ClinVar:

NM_015268.4(DNAJC13):c.6626-6T>C

Gene: DNAJC13 (DnaJ heat shock protein family (Hsp40) member C13; plus strand). Cytogenetic location: 3q22.1.
Variant type: single nucleotide variant.
Coding change: c.6626-6T>C on transcript NM_015268.4 (MANE Select); 6 bases into the intron before coding-DNA position 6626, T replaced by C.
Molecular consequence: intron variant.
Genome position (GRCh38, 1-based): chr3:132,538,170, T>C. VCF-style: chr3-132538170-T-C. GRCh37 (hg19) VCF-style: chr3-132257014-T-C.
Other names: p.?; c.6641-6T>C (NM_001329126.2).
Identifiers: ClinVar variation 778113 (VCV000778113.5), dbSNP rs114306914, ClinGen allele CA2620202.

ClinVar aggregate classification (germline): Benign. Review status: criteria provided, multiple submitters, no conflicts (2 of 4 stars). 2 submissions from 2 submitters: Benign (2). Last evaluated 2025-03-03.

Allele frequency attached by ClinVar (database versions not stated): ExAC 0.00401; 1000 Genomes Project 0.01278; TOPMed 0.01328; 1000 Genomes Project 30x 0.01405; gnomAD exomes 0.00118 and 0.00309; gnomAD 0.01275 and 0.01186; ESP Exome Variant Server 0.01384.
gnomAD v4.1: 3,591 of 1,613,166 alleles (0.22%); highest among the groups gnomAD compares: African/African-American, 4.2%; 75 homozygotes.

Submissions (2):

Mayo Clinic Laboratories, Mayo Clinic
Classification: Benign. Last evaluated: 2025-03-03. Review status: criteria provided, single submitter. Criteria: ACMG Guidelines, 2015. Collection method: clinical testing. Allele origin: germline. Observed: 3 variant alleles.
Comment: BS1, BS2, BP4, BP7

Labcorp Genetics (formerly Invitae), Labcorp
Classification: Benign. Last evaluated: 2019-12-31. Review status: criteria provided, single submitter. Criteria: Invitae Variant Classification Sherloc (09022015). Collection method: clinical testing. Allele origin: germline.